The following is an entry in ClinVar:

NM_001042545.2(LTBP4):c.2324C>T (p.Ala775Val)

Gene: LTBP4 (latent transforming growth factor beta binding protein 4; plus strand). Cytogenetic location: 19q13.2.
Variant type: single nucleotide variant.
Coding change: c.2324C>T on transcript NM_001042545.2 (MANE Select); coding-DNA position 2324, C replaced by T.
Protein change: p.Ala775Val; replaces alanine 775 with valine.
Molecular consequence: missense variant.
Genome position (GRCh38, 1-based): chr19:40,613,089, C>T. VCF-style: chr19-40613089-C-T. GRCh37 (hg19) VCF-style: chr19-41118995-C-T.
Other names: c.2525C>T, p.Ala842Val (NM_001042544.1); c.2414C>T, p.Ala805Val (NM_003573.2); short protein forms A775V, A805V, A842V.
Identifiers: ClinVar variation 1306740 (VCV001306740.3), dbSNP rs776497323, ClinGen allele CA9448634.
Genomic context (GRCh38, chr19:40,613,089, plus strand): 5'-GACTGGACCCTTTCTGAACACCCCCACCCCCCACAGATGTGGACGAATGCAGTTCGGGTG[C>T]CCCTCCCTGTGGTCCCCACGGCCACTGCACTAACACCGAAGGCTCCTTCCGCTGCAGCTG-3'
Protein context (NP_001036010.1, residues 765-785): CTDVDECSSG[Ala775Val]PPCGPHGHCT

ClinVar aggregate classification (germline): Uncertain significance. Review status: criteria provided, multiple submitters, no conflicts (2 of 4 stars). 2 submissions from 2 submitters: Uncertain significance (2). Last evaluated 2025-09-11.

Conditions:
Inborn genetic diseases. Identifiers: MedGen C0950123, MeSH D030342.

Allele frequency attached by ClinVar (database versions not stated): TOPMed below 0.00001.
gnomAD v4.1: 4 of 1,611,474 alleles (0.00025%); highest among the groups gnomAD compares: Admixed American, 0.005%; no homozygotes.

Submissions (2):

Ambry Genetics
Classification: Uncertain significance for Inborn genetic diseases. Last evaluated: 2025-09-11. Review status: criteria provided, single submitter. Criteria: Ambry Variant Classification Scheme 2023. Collection method: clinical testing. Allele origin: germline.

GeneDx
Classification: Uncertain significance. Last evaluated: 2019-02-22. Review status: criteria provided, single submitter. Criteria: GeneDx Variant Classification Process June 2021. Collection method: clinical testing. Allele origin: germline. Affected: yes.
Comment: Not observed at a significant frequency in large population cohorts (Lek et al., 2016); In silico analysis, which includes protein predictors and evolutionary conservation, supports that this variant does not alter protein structure/function; Has not been previously published as pathogenic or benign to our knowledge